The following is an entry in ClinVar:

NM_000077.5(CDKN2A):c.124A>G (p.Asn42Asp)

Gene: CDKN2A (cyclin dependent kinase inhibitor 2A; minus strand). Cytogenetic location: 9p21.3.
Variant type: single nucleotide variant.
Coding change: c.124A>G on transcript NM_000077.5; coding-DNA position 124, A replaced by G.
Protein change: p.Asn42Asp; replaces asparagine 42 with aspartic acid.
Molecular consequence: missense variant (on NM_000077.6). On other transcripts: intron variant (2).
Genome position (GRCh38, 1-based): chr9:21,974,704, T>C on the plus strand (A>G on the coding strand, the complement: CDKN2A is on the minus strand). VCF-style: chr9-21974704-T-C. GRCh37 (hg19) VCF-style: chr9-21974703-T-C.
Other names: c.124A>G, p.Asn42Asp (NM_000077.6, NM_001195132.2, NM_058197.5); c.-3-3496A>G (NM_001363763.2); c.194-3496A>G (NM_058195.4); short protein forms N42D.
Identifiers: ClinVar variation 656316 (VCV000656316.8), dbSNP rs1587339662, ClinGen allele CA373086524.

ClinVar aggregate classification (germline): Uncertain significance (1 of 4 stars; one submission).

Conditions:
Familial melanoma. Also called: Hereditary melanoma; Hereditary cutaneous melanoma. Identifiers: Orphanet 618, MedGen C1512419, MONDO:0018961.

Submission:

Labcorp Genetics (formerly Invitae), Labcorp
Classification: Uncertain significance for Familial melanoma. Last evaluated: 2024-12-22. Review status: criteria provided, single submitter. Criteria: Invitae Variant Classification Sherloc (09022015). Collection method: clinical testing. Allele origin: germline.
Comment: This sequence change replaces asparagine, which is neutral and polar, with aspartic acid, which is acidic and polar, at codon 42 of the CDKN2A (p16INK4a) protein (p.Asn42Asp). This variant is not present in population databases (gnomAD no frequency). This variant has not been reported in the literature in individuals affected with CDKN2A (p16INK4a)-related conditions. ClinVar contains an entry for this variant (Variation ID: 656316). An algorithm developed to predict the effect of missense changes on protein structure and function (PolyPhen-2) suggests that this variant is likely to be disruptive. In summary, the available evidence is currently insufficient to determine the role of this variant in disease. Therefore, it has been classified as a Variant of Uncertain Significance.